The following is an entry in ClinVar:

NM_001844.5(COL2A1):c.292+176C>T

Gene: COL2A1 (collagen type II alpha 1 chain; minus strand). Cytogenetic location: 12q13.11.
Variant type: single nucleotide variant.
Coding change: c.292+176C>T on transcript NM_001844.5 (MANE Select); 176 bases into the intron after coding-DNA position 292, C replaced by T.
Molecular consequence: intron variant.
Genome position (GRCh38, 1-based): chr12:47,999,743, G>A on the plus strand (C>T on the coding strand, the complement: COL2A1 is on the minus strand). VCF-style: chr12-47999743-G-A. GRCh37 (hg19) VCF-style: chr12-48393526-G-A.
Other names: c.86-1312C>T (NM_033150.3).
Identifiers: ClinVar variation 677851 (VCV000677851.2), dbSNP rs1793953, ClinGen allele CA15730323.

ClinVar aggregate classification (germline): Benign. Review status: criteria provided, multiple submitters, no conflicts (2 of 4 stars). 2 submissions from 2 submitters: Benign (2). Last evaluated 2018-06-18.

Allele frequency attached by ClinVar (database versions not stated): gnomAD 0.52389 and 0.52890; gnomAD exomes 0.61969; 1000 Genomes Project 30x 0.44097; 1000 Genomes Project 0.44948; TOPMed 0.50450.

Submissions (2):

GeneDx
Classification: Benign. Last evaluated: 2018-06-18. Review status: criteria provided, single submitter. Criteria: GeneDx Variant Classification (06012015). Collection method: clinical testing. Allele origin: germline. Affected: yes.
Comment: This variant is considered likely benign or benign based on one or more of the following criteria: it is a conservative change, it occurs at a poorly conserved position in the protein, it is predicted to be benign by multiple in silico algorithms, and/or has population frequency not consistent with disease.

Breakthrough Genomics
Classification: Benign. Review status: criteria provided, single submitter. Criteria: ACMG Guidelines, 2015. Collection method: not provided. Allele origin: germline. Inheritance: Autosomal dominant inheritance. Affected: yes.